The following is an entry in ClinVar:

NM_020159.5(SMARCAD1):c.1281+666dup

Gene: SMARCAD1 (SNF2 related chromatin remodeling ATPase with DExD box 1; plus strand). Cytogenetic location: 4q22.3.
Variant type: Duplication.
Coding change: c.1281+666dup on transcript NM_020159.5 (MANE Select); 666 bases into the intron after coding-DNA position 1281, one base duplicated (T; older notation c.1281+666dupT).
Molecular consequence: intron variant. On other transcripts: splice donor variant (2).
Genome position (GRCh38, 1-based): chr4:94,253,673, T duplicated. VCF-style (leftmost placement, unchanged base first): chr4-94253672-G-GT. GRCh37 (hg19) VCF-style: chr4-95174823-G-GT.
Other names: c.1281+666dup (NM_001128430.2, NM_001375855.1, NM_001375858.1 and 2 more transcripts); c.1278+666dup (NM_001375857.1); c.-10+2dup (NM_001375859.1, NM_001254949.2).
Identifiers: ClinVar variation 620664 (VCV000620664.5), dbSNP rs1560542214, ClinGen allele CA913189374.

ClinVar aggregate classification (germline): Likely pathogenic. Review status: criteria provided, multiple submitters, no conflicts (2 of 4 stars). 3 submissions from 3 submitters: Likely pathogenic (2). 1 of the submissions does not count toward it. Last evaluated 2024-10-10.

Conditions:
SMARCAD1-related disorder. Also called: SMARCAD1-related condition.
Keratoderma with scleroatrophy of the extremities (HRZ). Also called: HURIEZ SYNDROME; SCLEROATROPHIC AND KERATOTIC DERMATOSIS OF LIMBS; Palmoplantar keratoderma-sclerodactyly syndrome. Identifiers: Orphanet 384, MedGen C0406767, MONDO:0008416, OMIM 181600.

Submissions (3):

Blueprint Genetics
Classification: Likely pathogenic for SMARCAD1-related disorders. Last evaluated: 2024-10-10. Review status: criteria provided, single submitter. Criteria: ACMG Guidelines, 2015. Collection method: clinical testing. Allele origin: germline. Affected: yes. Observed: 2 variant alleles.

GeneDx
Classification: Likely pathogenic. Last evaluated: 2019-11-25. Review status: criteria provided, single submitter. Criteria: GeneDx Variant Classification Process June 2021. Collection method: clinical testing. Allele origin: germline. Affected: yes.
Comment: Non-canonical splice site variant demonstrated to result in loss-of-function in a gene for which loss-of-function is not a well-established mechanism of disease (Gunther et al., 2018); Not observed in large population cohorts (Lek et al., 2016); This variant is associated with the following publications: (PMID: 4298032, 10631162, 29409814)

OMIM
Classification: Pathogenic for HURIEZ SYNDROME. Last evaluated: 2019-03-14. Review status: no assertion criteria provided. Collection method: literature only. Allele origin: germline. Not counted in ClinVar's aggregate classification.

Literature cited by the submitters: PubMed 4298032 (cited by OMIM); PubMed 29409814 (cited by OMIM).